The following is an entry in ClinVar:

NM_007294.4(BRCA1):c.5468-18T>A

Gene: BRCA1 (BRCA1 DNA repair associated; minus strand). Cytogenetic location: 17q21.31.
Variant type: single nucleotide variant.
Coding change: c.5468-18T>A on transcript NM_007294.4 (MANE Select); 18 bases into the intron before coding-DNA position 5468, T replaced by A.
Molecular consequence: intron variant.
Genome position (GRCh38, 1-based): chr17:43,045,820, A>T on the plus strand (T>A on the coding strand, the complement: BRCA1 is on the minus strand). VCF-style: chr17-43045820-A-T. GRCh37 (hg19) VCF-style: chr17-41197837-A-T.
Other names: IVS23-18T>A; c.5384-18T>A (NM_001407662.1, NM_001407660.1, NM_001407661.1 and 2 more transcripts); c.2078-18T>A (NM_001408412.1, NM_001408413.1, NM_001408416.1 and 2 more transcripts); c.5387-18T>A (NM_001407656.1, NM_001407657.1, NM_001407658.1); c.5390-18T>A (NM_001407654.1, NM_001407652.1, NM_001407653.1 and 1 more transcripts); c.1817-18T>A (NM_001408509.1); c.1820-18T>A (NM_001408508.1); c.1946-18T>A (NM_001408491.1, NM_001408481.1, NM_001408490.1 and 5 more transcripts); and 84 more.
Identifiers: ClinVar variation 125855 (VCV000125855.22), dbSNP rs80358157, ClinGen allele CA003622.

ClinVar aggregate classification (germline): Conflicting classifications of pathogenicity. Review status: criteria provided, conflicting classifications (1 of 4 stars). 4 submissions from 4 submitters: Uncertain significance (2); Likely benign (1). 1 of the submissions does not count toward it. Last evaluated 2023-10-26.

Conditions:
Hereditary cancer-predisposing syndrome. Also called: Tumor predisposition; Hereditary neoplastic syndrome; Hereditary Cancer Syndrome; Neoplastic Syndromes, Hereditary. Identifiers: Orphanet 140162, MedGen C0027672, MeSH D009386, MONDO:0015356.
Hereditary breast ovarian cancer syndrome. Also called: Hereditary breast and/or ovarian cancer syndrome; Breast and ovarian cancer; Hereditary breast and ovarian cancer syndrome; Hereditary breast and ovarian cancer; Hereditary breast and ovarian cancer syndrome (HBOC); BRCA1- and BRCA2-Associated Hereditary Breast and Ovarian Cancer. Identifiers: Orphanet 145, MedGen C0677776, MeSH D061325, MONDO:0003582. Disease mechanism: loss of function.
Breast-ovarian cancer, familial, susceptibility to, 1 (BROVCA1). Also called: BRCA1 Hereditary Breast and Ovarian Cancer; OVARIAN CANCER, SUSCEPTIBILITY TO. Identifiers: Orphanet 145, MedGen C2676676, MONDO:0011450, OMIM 604370. Disease mechanism: loss of function.

Submissions (4):

Labcorp Genetics (formerly Invitae), Labcorp
Classification: Uncertain significance for Hereditary breast ovarian cancer syndrome. Last evaluated: 2023-10-26. Review status: criteria provided, single submitter. Criteria: Invitae Variant Classification Sherloc (09022015). Collection method: clinical testing. Allele origin: germline.
Comment: This sequence change falls in intron 22 of the BRCA1 gene. It does not directly change the encoded amino acid sequence of the BRCA1 protein. This variant is not present in population databases (gnomAD no frequency). This variant has been observed in individual(s) with breast/ovarian cancer (PMID: 23961350). ClinVar contains an entry for this variant (Variation ID: 125855). Algorithms developed to predict the effect of sequence changes on RNA splicing suggest that this variant may disrupt the consensus splice site. In summary, the available evidence is currently insufficient to determine the role of this variant in disease. Therefore, it has been classified as a Variant of Uncertain Significance.

Ambry Genetics
Classification: Uncertain significance for Hereditary cancer-predisposing syndrome. Last evaluated: 2022-01-24. Review status: criteria provided, single submitter. Criteria: Ambry Variant Classification Scheme 2023. Collection method: clinical testing. Allele origin: germline.
Comment: The c.5468-18T>A intronic alteration consists of a T to A substitution 18 nucleotides before coding exon 22 in the BRCA1 gene. Based on insufficient or conflicting evidence, the clinical significance of this alteration remains unclear.

GeneDx
Classification: Likely benign. Last evaluated: 2016-04-18. Review status: criteria provided, single submitter. Criteria: GeneDx Variant Classification (06012015). Collection method: clinical testing. Allele origin: germline. Affected: yes.
Comment: This variant is considered likely benign or benign based on one or more of the following criteria: it is a conservative change, it occurs at a poorly conserved position in the protein, it is predicted to be benign by multiple in silico algorithms, and/or has population frequency not consistent with disease.

Breast Cancer Information Core (BIC) (BRCA1)
Classification: Uncertain significance for Breast-ovarian cancer, familial 1. Last evaluated: 2002-05-29. Review status: no assertion criteria provided. Collection method: clinical testing. Allele origin: germline. Affected: yes. Observed: 2 variant alleles. Not counted in ClinVar's aggregate classification.

Literature cited by the submitters: PubMed 23961350 (cited by Labcorp Genetics (formerly Invitae), Labcorp).